The following is an entry in ClinVar:

ClinVar aggregate classification (germline): Uncertain significance (1 of 4 stars; one submission).

gnomAD v4.1: 28 of 1,609,416 alleles (0.0017%); highest among the groups gnomAD compares: East Asian, 0.0045%; no homozygotes.

Submission:

Women's Health and Genetics/Laboratory Corporation of America, LabCorp
Classification: Uncertain significance. Last evaluated: 2025-05-30. Review status: criteria provided, single submitter. Criteria: LabCorp Variant Classification Summary - May 2015. Collection method: clinical testing. Allele origin: germline.
Comment: Variant summary: MAST3 c.2591G>A (p.Arg864His) results in a non-conservative amino acid change in the encoded protein sequence. Algorithms developed to predict the effect of missense changes on protein structure and function are either unavailable or do not agree on the potential impact of this missense change. The variant allele was found at a frequency of 1.2e-05 in 242672 control chromosomes (gnomAD). The available data on variant occurrences in the general population are insufficient to allow any conclusion about variant significance. To our knowledge, no occurrence of c.2591G>A in individuals affected with Developmental And Epileptic Encephalopathy 108 and no experimental evidence demonstrating its impact on protein function have been reported. No submitters have cited clinical-significance assessments for this variant to ClinVar. Based on the evidence outlined above, the variant was classified as uncertain significance.

NM_001393504.1(MAST3):c.2678G>A (p.Arg893His)

Gene: MAST3 (microtubule associated serine/threonine kinase 3; plus strand). Cytogenetic location: 19p13.11.
Variant type: single nucleotide variant.
Coding change: c.2678G>A on transcript NM_001393504.1 (MANE Select); coding-DNA position 2678, G replaced by A.
Protein change: p.Arg893His; replaces arginine 893 with histidine.
Molecular consequence: missense variant.
Genome position (GRCh38, 1-based): chr19:18,144,559, G>A. VCF-style: chr19-18144559-G-A. GRCh37 (hg19) VCF-style: chr19-18255369-G-A.
Other names: c.2702G>A, p.Arg901His (NM_001393501.1); c.2681G>A, p.Arg894His (NM_001393502.1); c.2678G>A, p.Arg893His (NM_001393503.1); c.2675G>A, p.Arg892His (NM_001393505.1); c.2630G>A, p.Arg877His (NM_001393506.1, NM_001393513.1); c.2657G>A, p.Arg886His (NM_001393507.1); c.2612G>A, p.Arg871His (NM_001393508.1, NM_001393516.1); c.2609G>A, p.Arg870His (NM_001393509.1, NM_001393510.1, NM_001393512.1 and 2 more transcripts); and 4 more; short protein forms R855H, R863H, R864H, R869H, R870H, R871H, R877H, R886H.
Identifiers: ClinVar variation 3902728 (VCV003902728.1).